The following is an entry in ClinVar:

ClinVar aggregate classification (germline): Uncertain significance. Review status: criteria provided, multiple submitters, no conflicts (2 of 4 stars). 2 submissions from 2 submitters: Uncertain significance (2). Last evaluated 2025-04-28.

Conditions:
Myofibrillar myopathy 5. Also called: FILAMINOPATHY, AUTOSOMAL DOMINANT; Filaminopathy (type). Identifiers: Orphanet 171445, MedGen C1836050, MONDO:0012289, OMIM 609524.
Distal myopathy with posterior leg and anterior hand involvement. Also called: WILLIAMS DISTAL MYOPATHY. Identifiers: Orphanet 63273, MedGen C3279722, MONDO:0013550, OMIM 614065.
Hypertrophic cardiomyopathy 26. Also called: Cardiomyopathy, familial hypertrophic, 26. Identifiers: Orphanet 75249, MedGen C4310749, MONDO:0014883, OMIM 617047.

gnomAD v4.1: 5 of 1,614,026 alleles (0.00031%); highest among the groups gnomAD compares: Middle Eastern, 0.016%; no homozygotes.

Submissions (2):

Labcorp Genetics (formerly Invitae), Labcorp
Classification: Uncertain significance for Distal myopathy with posterior leg and anterior hand involvement; Myofibrillar myopathy 5; Hypertrophic cardiomyopathy 26. Last evaluated: 2025-04-28. Review status: criteria provided, single submitter. Criteria: Invitae Variant Classification Sherloc (09022015). Collection method: clinical testing. Allele origin: germline.
Comment: This sequence change replaces valine, which is neutral and non-polar, with alanine, which is neutral and non-polar, at codon 960 of the FLNC protein (p.Val960Ala). This variant is not present in population databases (gnomAD no frequency). This variant has not been reported in the literature in individuals affected with FLNC-related conditions. ClinVar contains an entry for this variant (Variation ID: 1365566). Invitae Evidence Modeling of protein sequence and biophysical properties (such as structural, functional, and spatial information, amino acid conservation, physicochemical variation, residue mobility, and thermodynamic stability) has been performed for this missense variant. However, the output from this modeling did not meet the statistical confidence thresholds required to predict the impact of this variant on FLNC protein function. In summary, the available evidence is currently insufficient to determine the role of this variant in disease. Therefore, it has been classified as a Variant of Uncertain Significance.

Revvity Omics, Revvity
Classification: Uncertain significance. Last evaluated: 2020-10-19. Review status: criteria provided, single submitter. Criteria: ACMG Guidelines, 2015. Collection method: clinical testing. Allele origin: germline.

NM_001458.5(FLNC):c.2879T>C (p.Val960Ala)

Gene: FLNC (filamin C; plus strand). Cytogenetic location: 7q32.1.
Variant type: single nucleotide variant.
Coding change: c.2879T>C on transcript NM_001458.5 (MANE Select); coding-DNA position 2879, T replaced by C.
Protein change: p.Val960Ala; replaces valine 960 with alanine.
Molecular consequence: missense variant.
Genome position (GRCh38, 1-based): chr7:128,843,863, T>C. VCF-style: chr7-128843863-T-C. GRCh37 (hg19) VCF-style: chr7-128483917-T-C.
Other names: c.2879T>C, p.Val960Ala (NM_001127487.2); c.2879T>C (NM_001458.4); short protein forms V960A.
Identifiers: ClinVar variation 1365566 (VCV001365566.9), dbSNP rs568452175, ClinGen allele CA369193484.